The following is an entry in ClinVar:

ClinVar aggregate classification (germline): Uncertain significance (1 of 4 stars; one submission).

Conditions:
Familial adenomatous polyposis 1 (FAP1). Also called: POLYPOSIS, ADENOMATOUS INTESTINAL; FAMILIAL ADENOMATOUS POLYPOSIS 1, ATTENUATED. Identifiers: MedGen C2713442, MONDO:0021056, OMIM 175100. Disease mechanism: loss of function.

Submission:

Labcorp Genetics (formerly Invitae), Labcorp
Classification: Uncertain significance for Familial adenomatous polyposis 1. Last evaluated: 2024-04-16. Review status: criteria provided, single submitter. Criteria: Invitae Variant Classification Sherloc (09022015). Collection method: clinical testing. Allele origin: germline.
Comment: This sequence change replaces isoleucine, which is neutral and non-polar, with leucine, which is neutral and non-polar, at codon 1913 of the APC protein (p.Ile1913Leu). This variant is not present in population databases (gnomAD no frequency). This variant has not been reported in the literature in individuals affected with APC-related conditions. Advanced modeling of protein sequence and biophysical properties (such as structural, functional, and spatial information, amino acid conservation, physicochemical variation, residue mobility, and thermodynamic stability) performed at Invitae indicates that this missense variant is not expected to disrupt APC protein function with a negative predictive value of 95%. In summary, the available evidence is currently insufficient to determine the role of this variant in disease. Therefore, it has been classified as a Variant of Uncertain Significance.

NM_000038.6(APC):c.5737A>C (p.Ile1913Leu)

Gene: APC (APC regulator of Wnt signaling pathway; plus strand). Cytogenetic location: 5q22.2.
Variant type: single nucleotide variant.
Coding change: c.5737A>C on transcript NM_000038.6 (MANE Select); coding-DNA position 5737, A replaced by C.
Protein change: p.Ile1913Leu; replaces isoleucine 1913 with leucine.
Molecular consequence: missense variant. On other transcripts: non-coding transcript variant (2).
Genome position (GRCh38, 1-based): chr5:112,841,331, A>C. VCF-style: chr5-112841331-A-C. GRCh37 (hg19) VCF-style: chr5-112177028-A-C.
Other names: c.5737A>C, p.Ile1913Leu (NM_001127510.3, NM_001354895.2, NM_001407450.1); c.5683A>C, p.Ile1895Leu (NM_001127511.3); c.5791A>C, p.Ile1931Leu (NM_001354896.2, NM_001407447.1, NM_001407448.1 and 1 more transcripts); c.5767A>C, p.Ile1923Leu (NM_001354897.2); c.5662A>C, p.Ile1888Leu (NM_001354898.2); c.5653A>C, p.Ile1885Leu (NM_001354899.2); c.5614A>C, p.Ile1872Leu (NM_001354900.2); c.5560A>C, p.Ile1854Leu (NM_001354901.2, NM_001407453.1); and 11 more; short protein forms I1830L, I1888L, I1931L, I1941L, I1630L, I1753L, I1872L, I1529L.
Identifiers: ClinVar variation 3708601 (VCV003708601.2).